The following is an entry in ClinVar:

ClinVar aggregate classification (germline): Uncertain significance (1 of 4 stars; one submission).

Conditions:
RPS7-related disorder. Also called: RPS7-related condition.

gnomAD v4.1: 23 of 1,613,544 alleles (0.0014%); highest among the groups gnomAD compares: South Asian, 0.025%; no homozygotes.

Submission:

PreventionGenetics, part of Exact Sciences
Classification: Uncertain significance for RPS7-related condition. Last evaluated: 2026-04-11. Review status: criteria provided, single submitter. Criteria: ACMG Guidelines, 2015. Collection method: clinical testing. Allele origin: germline.
Comment: The RPS7 c.160G>A variant is predicted to result in the amino acid substitution p.Gly54Ser. To our knowledge, this variant has not been reported in the literature. This variant is reported in 0.0065% of alleles in individuals of South Asian descent in gnomAD. At this time, the clinical significance of this variant is uncertain due to the absence of conclusive functional and genetic evidence.

NM_001011.4(RPS7):c.160G>A (p.Gly54Ser)

Gene: RPS7 (ribosomal protein S7; plus strand). Cytogenetic location: 2p25.3.
Variant type: single nucleotide variant.
Coding change: c.160G>A on transcript NM_001011.4 (MANE Select); coding-DNA position 160, G replaced by A.
Protein change: p.Gly54Ser; replaces glycine 54 with serine.
Molecular consequence: missense variant.
Genome position (GRCh38, 1-based): chr2:3,576,499, G>A. VCF-style: chr2-3576499-G-A. GRCh37 (hg19) VCF-style: chr2-3624089-G-A.
Other names: short protein forms G54S.
Identifiers: ClinVar variation 4988907 (VCV004988907.1).
Genomic context (GRCh38, chr2:3,576,499, plus strand): 5'-TTACTTTCTGAAGCAGTTAACACAGTGGATTTTTGTTTTTTTCTTTAGGAAATTGAAGTT[G>A]GTGGTGGTCGGAAAGCTATCATAATCTTTGTTCCCGTTCCTCAACTGAAATCTTTCCAGA-3'
Protein context (NP_001002.1, residues 44-64): NITAAKEIEV[Gly54Ser]GGRKAIIIFV